The following is an entry in ClinVar:

NM_000747.3(CHRNB1):c.971T>A (p.Ile324Asn)

Gene: CHRNB1 (cholinergic receptor nicotinic beta 1 subunit; plus strand). Cytogenetic location: 17p13.1.
Variant type: single nucleotide variant.
Coding change: c.971T>A on transcript NM_000747.3 (MANE Select); coding-DNA position 971, T replaced by A.
Protein change: p.Ile324Asn; replaces isoleucine 324 with asparagine.
Molecular consequence: missense variant.
Genome position (GRCh38, 1-based): chr17:7,454,447, T>A. VCF-style: chr17-7454447-T-A. GRCh37 (hg19) VCF-style: chr17-7357766-T-A.
Other names: short protein forms I324N.
Identifiers: ClinVar variation 3690064 (VCV003690064.2).

ClinVar aggregate classification (germline): Uncertain significance (1 of 4 stars; one submission).

Conditions:
Congenital myasthenic syndrome 2A. Also called: Myasthenic syndrome, congenital, 2a, slow-channel. Identifiers: Orphanet 590, MedGen C4225374, MONDO:0014581, OMIM 616313.

Submission:

Labcorp Genetics (formerly Invitae), Labcorp
Classification: Uncertain significance for Congenital myasthenic syndrome 2A. Last evaluated: 2024-09-22. Review status: criteria provided, single submitter. Criteria: Invitae Variant Classification Sherloc (09022015). Collection method: clinical testing. Allele origin: germline.
Comment: This sequence change replaces isoleucine, which is neutral and non-polar, with asparagine, which is neutral and polar, at codon 324 of the CHRNB1 protein (p.Ile324Asn). This variant is not present in population databases (gnomAD no frequency). This variant has not been reported in the literature in individuals affected with CHRNB1-related conditions. Invitae Evidence Modeling of protein sequence and biophysical properties (such as structural, functional, and spatial information, amino acid conservation, physicochemical variation, residue mobility, and thermodynamic stability) indicates that this missense variant is expected to disrupt CHRNB1 protein function with a positive predictive value of 80%. In summary, the available evidence is currently insufficient to determine the role of this variant in disease. Therefore, it has been classified as a Variant of Uncertain Significance.